The following is an entry in ClinVar:

ClinVar aggregate classification (germline): Uncertain significance (1 of 4 stars; one submission).

gnomAD v4.1: 14 of 1,567,598 alleles (0.00089%); highest among the groups gnomAD compares: African/African-American, 0.004%; no homozygotes.

Submission:

Labcorp Genetics (formerly Invitae), Labcorp
Classification: Uncertain significance. Last evaluated: 2025-02-10. Review status: criteria provided, single submitter. Criteria: Invitae Variant Classification Sherloc (09022015). Collection method: clinical testing. Allele origin: germline.
Comment: This sequence change replaces proline, which is neutral and non-polar, with glutamine, which is neutral and polar, at codon 90 of the LTBP2 protein (p.Pro90Gln). This variant is not present in population databases (gnomAD no frequency). This variant has not been reported in the literature in individuals affected with LTBP2-related conditions. ClinVar contains an entry for this variant (Variation ID: 1357219). An algorithm developed to predict the effect of missense changes on protein structure and function (PolyPhen-2) suggests that this variant is likely to be disruptive. In summary, the available evidence is currently insufficient to determine the role of this variant in disease. Therefore, it has been classified as a Variant of Uncertain Significance.

NM_000428.3(LTBP2):c.269C>A (p.Pro90Gln)

Gene: LTBP2 (latent transforming growth factor beta binding protein 2; minus strand). Cytogenetic location: 14q24.3.
Variant type: single nucleotide variant.
Coding change: c.269C>A on transcript NM_000428.3 (MANE Select); coding-DNA position 269, C replaced by A.
Protein change: p.Pro90Gln; replaces proline 90 with glutamine.
Molecular consequence: missense variant.
Genome position (GRCh38, 1-based): chr14:74,611,676, G>T on the plus strand (C>A on the coding strand, the complement: LTBP2 is on the minus strand). VCF-style: chr14-74611676-G-T. GRCh37 (hg19) VCF-style: chr14-75078379-G-T.
Other names: short protein forms P90Q.
Identifiers: ClinVar variation 1357219 (VCV001357219.6), dbSNP rs574843979, ClinGen allele CA263601950.